The following is an entry in ClinVar:

NM_001384479.1(AGT):c.323T>G (p.Ile108Arg)

Gene: AGT (angiotensinogen; minus strand). Cytogenetic location: 1q42.2.
Variant type: single nucleotide variant.
Coding change: c.323T>G on transcript NM_001384479.1 (MANE Select); coding-DNA position 323, T replaced by G.
Protein change: p.Ile108Arg; replaces isoleucine 108 with arginine.
Molecular consequence: missense variant.
Genome position (GRCh38, 1-based): chr1:230,710,501, A>C on the plus strand (T>G on the coding strand, the complement: AGT is on the minus strand). VCF-style: chr1-230710501-A-C. GRCh37 (hg19) VCF-style: chr1-230846247-A-C.
Other names: NM_000029.3:c.350T>G; c.323T>G, p.Ile108Arg (NM_001382817.3); short protein forms I108R.
Identifiers: ClinVar variation 2636397 (VCV002636397.1), dbSNP rs199864970, ClinGen allele CA38871950.
Genomic context (GRCh38, chr1:230,710,501, plus strand): 5'-GTTGGGGAGAGGACGGTGGCCCCATGGACCACGCCCCATAGCTCACTGTGCATGCCATAT[A>C]TACGGAAGCCCAAGAAGTTGGCCAGCATCCCGACCATTGCGGCCCTCAACTTGTCTTCGG-3'
Protein context (NP_001371408.1, residues 98-118): GMLANFLGFR[Ile108Arg]YGMHSELWGV

ClinVar aggregate classification (germline): Uncertain significance (1 of 4 stars; one submission).

Conditions:
AGT-related disorder. Also called: AGT-related condition.

Allele frequency attached by ClinVar (database versions not stated): gnomAD exomes below 0.00001.
gnomAD v4.1: 2 of 1,614,226 alleles (0.00012%); highest among the groups gnomAD compares: Non-Finnish European, 0.000085%; no homozygotes.

Submission:

PreventionGenetics, part of Exact Sciences
Classification: Uncertain significance for AGT-related condition. Last evaluated: 2023-05-10. Review status: criteria provided, single submitter. Criteria: ACMG Guidelines, 2015. Collection method: clinical testing. Allele origin: germline.
Comment: The AGT c.350T>G variant is predicted to result in the amino acid substitution p.Ile117Arg. To our knowledge, this variant has not been reported in the literature or in a large population database, indicating this variant is rare. At this time, the clinical significance of this variant is uncertain due to the absence of conclusive functional and genetic evidence.